The following is an entry in ClinVar:

NM_004947.5(DOCK3):c.1116C>T (p.Ser372=)

Gene: DOCK3 (dedicator of cytokinesis 3; plus strand). Cytogenetic location: 3p21.2.
Variant type: single nucleotide variant.
Coding change: c.1116C>T on transcript NM_004947.5 (MANE Select); coding-DNA position 1116, C replaced by T.
Protein change: p.Ser372=; no amino-acid change (serine 372 retained).
Molecular consequence: synonymous variant.
Genome position (GRCh38, 1-based): chr3:51,208,852, C>T. VCF-style: chr3-51208852-C-T. GRCh37 (hg19) VCF-style: chr3-51246283-C-T.
Other names: c.1116C>T (NM_004947.4).
Identifiers: ClinVar variation 1701459 (VCV001701459.33), dbSNP rs376655049, ClinGen allele CA2420854.

ClinVar aggregate classification (germline): Likely benign. Review status: criteria provided, multiple submitters, no conflicts (2 of 4 stars). 3 submissions from 3 submitters: Likely benign (2). 1 of the submissions does not count toward it. Last evaluated 2024-12-01.

Conditions:
DOCK3-related disorder. Also called: DOCK3-related condition.

Allele frequency attached by ClinVar (database versions not stated): gnomAD 0.00021 and 0.00036; TOPMed 0.00027; ESP Exome Variant Server 0.00032; gnomAD exomes 0.00047 and 0.00086; ExAC 0.00130; 1000 Genomes Project 30x 0.00203; 1000 Genomes Project 0.00240.
gnomAD v4.1: 757 of 1,610,524 alleles (0.047%); highest among the groups gnomAD compares: South Asian, 0.58%; 7 homozygotes.

Submissions (3):

CeGaT Center for Human Genetics Tuebingen
Classification: Likely benign. Last evaluated: 2024-12-01. Review status: criteria provided, single submitter. Criteria: CeGaT Center For Human Genetics Tuebingen Variant Classification Criteria Version 2. Collection method: clinical testing. Allele origin: germline. Affected: yes. Observed: 4 variant alleles.
Comment: DOCK3: BP4, BP7

Blueprint Genetics
Classification: Likely benign. Last evaluated: 2024-10-30. Review status: criteria provided, single submitter. Criteria: ACMG Guidelines, 2015. Collection method: clinical testing. Allele origin: germline.

PreventionGenetics, part of Exact Sciences
Classification: Likely benign for DOCK3-related condition. Last evaluated: 2019-05-24. Review status: no assertion criteria provided. Collection method: clinical testing. Allele origin: germline. Not counted in ClinVar's aggregate classification.
Comment: This variant is classified as likely benign based on ACMG/AMP sequence variant interpretation guidelines (Richards et al. 2015 PMID: 25741868, with internal and published modifications).